The following is an entry in ClinVar:

ClinVar aggregate classification (germline): Likely pathogenic (1 of 4 stars; one submission).

Conditions:
Peroxisome biogenesis disorder. Identifiers: Orphanet 79189, MedGen C1832200, MONDO:0019234. Disease mechanism: loss of function.

Submission:

Myriad Genetics, Inc.
Classification: Likely pathogenic for Peroxisome biogenesis disorder. Last evaluated: 2022-03-06. Review status: criteria provided, single submitter. Criteria: Myriad Autosomal Dominant, Autosomal Recessive and X-Linked Classification Criteria (2023). Collection method: clinical testing. Allele origin: unknown.
Comment: NM_000466.2(PEX1):c.532_533delCA(Q178Afs*15) is expected to be pathogenic in the context of peroxisome biogenesis disorder type 1. This variant is predicted to lead to an abnormal or absent protein product due to the creation of a premature termination codon in PEX1, a gene where loss-of-function variants are known to be pathogenic. Please note: this variant was assessed in the context of healthy population screening.

NM_000466.3(PEX1):c.532_533del (p.Gln178fs)

Gene: PEX1 (peroxisomal biogenesis factor 1; minus strand). Cytogenetic location: 7q21.2.
Variant type: Deletion.
Coding change: c.532_533del on transcript NM_000466.3 (MANE Select); coding-DNA positions 532 to 533, 2 bases deleted (CA; older notation c.532_533delCA).
Protein change: p.Gln178fs; shifts the reading frame from glutamine 178.
Molecular consequence: frameshift variant. On other transcripts: 5 prime UTR variant (1).
Genome position (GRCh38, 1-based): chr7:92,517,982-92,517,983, TG deleted on the plus strand (CA on the coding strand, the reverse complement: PEX1 is on the minus strand). VCF-style (leftmost placement, unchanged base first): chr7-92517981-CTG-C. GRCh37 (hg19) VCF-style: chr7-92147295-CTG-C.
Other names: c.532_533del, p.Gln178fs (NM_001282677.2); c.-93_-92del (NM_001282678.2); short protein forms Q178fs.
Identifiers: ClinVar variation 1725049 (VCV001725049.3), dbSNP rs2484704194, ClinGen allele CA2580077847.
Genomic context (GRCh38, chr7:92,517,981, plus strand): 5'-TTTTTTATATTCAGCATCAGCTTTTGAAAATGTATTCTCTTTGGCTCGGCGTGTCTTTGG[CTG>C]AATAAGGAGTTTGGTGTCAGTTTCCAGCCTTCCATAAGAGGCAGCTGGTATTAGTGCAAC-3'